The following is an entry in ClinVar:

NM_004380.3(CREBBP):c.2851C>A (p.Pro951Thr)

Gene: CREBBP (CREB binding lysine acetyltransferase; minus strand). Cytogenetic location: 16p13.3.
Variant type: single nucleotide variant.
Coding change: c.2851C>A on transcript NM_004380.3 (MANE Select); coding-DNA position 2851, C replaced by A.
Protein change: p.Pro951Thr; replaces proline 951 with threonine.
Molecular consequence: missense variant.
Genome position (GRCh38, 1-based): chr16:3,770,599, G>T on the plus strand (C>A on the coding strand, the complement: CREBBP is on the minus strand). VCF-style: chr16-3770599-G-T. GRCh37 (hg19) VCF-style: chr16-3820600-G-T.
Other names: c.2737C>A, p.Pro913Thr (NM_001079846.1); c.2851C>A (NM_004380.2); short protein forms P913T, P951T.
Identifiers: ClinVar variation 2413329 (VCV002413329.9), dbSNP rs1419580982, ClinGen allele CA394550007.
Genomic context (GRCh38, chr16:3,770,599, plus strand): 5'-GCCCAAAAACAGCAGAGACAGAGAGGCTTACCGGTGTGCCAGGAGGCTGGGCGTGCACAG[G>T]CGTCGGCTGTTGCTGCGATGACTGAGGGGTAGCCACAGACGGGGGCTGAACTGGGGTTTG-3'
Protein context (NP_004371.2, residues 941-961): TPQSSQQQPT[Pro951Thr]VHAQPPGTPL

ClinVar aggregate classification (germline): Conflicting classifications of pathogenicity. Review status: criteria provided, conflicting classifications (1 of 4 stars). 2 submissions from 2 submitters: Uncertain significance (1); Likely benign (1). Last evaluated 2025-07-01.

Conditions:
CREBBP-related disorder. Also called: CREBBP-related condition; CREBBP-related disorders.
Rubinstein-Taybi syndrome (RSTS). Identifiers: Orphanet 783, MedGen C0035934, MONDO:0019188.

Allele frequency attached by ClinVar (database versions not stated): gnomAD 0.00001; gnomAD exomes 0.00001; TOPMed 0.00001.
gnomAD v4.1: 8 of 1,613,498 alleles (0.0005%); highest among the groups gnomAD compares: Non-Finnish European, 0.00059%; no homozygotes.

Submissions (2):

PreventionGenetics, part of Exact Sciences
Classification: Uncertain significance for CREBBP-related condition. Last evaluated: 2025-07-01. Review status: criteria provided, single submitter. Criteria: ACMG Guidelines, 2015. Collection method: clinical testing. Allele origin: germline.
Comment: The CREBBP c.2851C>A variant is predicted to result in the amino acid substitution p.Pro951Thr. To our knowledge, this variant has not been reported in the literature. This variant is reported in 0.0026% of alleles in individuals of European (Non-Finnish) descent in gnomAD and has been interpreted as likely benign in ClinVar. Although we suspect that this variant may be benign, at this time, the clinical significance of this variant is uncertain due to the absence of conclusive functional and genetic evidence.

Labcorp Genetics (formerly Invitae), Labcorp
Classification: Likely benign for Rubinstein-Taybi syndrome. Last evaluated: 2025-03-11. Review status: criteria provided, single submitter. Criteria: Invitae Variant Classification Sherloc (09022015). Collection method: clinical testing. Allele origin: germline.